The following is an entry in ClinVar:

ClinVar aggregate classification (germline): Uncertain significance. Review status: criteria provided, multiple submitters, no conflicts (2 of 4 stars). 2 submissions from 2 submitters: Uncertain significance (2). Last evaluated 2019-07-02.

Conditions:
Aortic valve disease 1 (AOVD1). Identifiers: MedGen C3887892, MONDO:0024523, OMIM 109730.
Adams-Oliver syndrome 5 (AOS5). Identifiers: Orphanet 974, MedGen C4014970, MONDO:0014459, OMIM 616028.

Submissions (2):

GeneDx
Classification: Uncertain significance. Last evaluated: 2019-07-02. Review status: criteria provided, single submitter. Criteria: GeneDx Variant Classification Process June 2021. Collection method: clinical testing. Allele origin: germline. Affected: yes.
Comment: Has not been previously published as pathogenic or benign to our knowledge; Not observed in large population cohorts (Lek et al., 2016); In silico analysis, which includes protein predictors and evolutionary conservation, supports a deleterious effect

Juno Genomics, Hangzhou Juno Genomics, Inc
Classification: Uncertain significance for Adams-Oliver syndrome 5; Aortic valve disease 1. Review status: criteria provided, single submitter. Criteria: ACMG Guidelines, 2015. Collection method: clinical testing. Allele origin: germline.
Comment: Absent from controls (or at extremely low frequency if recessive) in Genome Aggregation Database.;Missense variant in a gene that has a low rate of benign missense variation.;Multiple lines of computational evidence suggest no impact on gene or gene product.

NM_017617.5(NOTCH1):c.1465G>T (p.Val489Phe)

Gene: NOTCH1 (notch receptor 1; minus strand). Cytogenetic location: 9q34.3.
Variant type: single nucleotide variant.
Coding change: c.1465G>T on transcript NM_017617.5 (MANE Select); coding-DNA position 1465, G replaced by T.
Protein change: p.Val489Phe; replaces valine 489 with phenylalanine.
Molecular consequence: missense variant.
Genome position (GRCh38, 1-based): chr9:136,517,362, C>A on the plus strand (G>T on the coding strand, the complement: NOTCH1 is on the minus strand). VCF-style: chr9-136517362-C-A. GRCh37 (hg19) VCF-style: chr9-139411814-C-A.
Other names: short protein forms V489F.
Identifiers: ClinVar variation 1306786 (VCV001306786.4), dbSNP rs1843292615, ClinGen allele CA375562542.